The following is an entry in ClinVar:

NM_000051.4(ATM):c.6040G>T (p.Glu2014Ter)

Genes: ATM (ATM serine/threonine kinase; plus strand), C11orf65 (chromosome 11 open reading frame 65; minus strand). Cytogenetic location: 11q22.3.
Variant type: single nucleotide variant.
Coding change: c.6040G>T on transcript NM_000051.4 (MANE Select); coding-DNA position 6040, G replaced by T.
Protein change: p.Glu2014Ter; replaces glutamic acid 2014 with a stop codon.
Molecular consequence: nonsense. On other transcripts: intron variant (2).
Genome position (GRCh38, 1-based): chr11:108,315,856, G>T. VCF-style: chr11-108315856-G-T. GRCh37 (hg19) VCF-style: chr11-108186583-G-T.
Other names: c.6040G>T, p.Glu2014Ter (NM_001351834.2); c.641-6785C>A (NM_001330368.2); c.*39-6785C>A (NM_001351110.2); short protein forms E2014*.
Identifiers: ClinVar variation 371405 (VCV000371405.26), dbSNP rs375783941, ClinGen allele CA16041420.
Genomic context (GRCh38, chr11:108,315,856, plus strand): 5'-CAATTTTTGTTGTTTCCATGTTTTCAGGATCTTCTCTTAGAAATCTACAGAAGTATAGGG[G>T]AGCCAGATAGTTTGTATGGCTGTGGTGGAGGGAAGATGTTACAACCCATTACTAGGTAAA-3'

ClinVar aggregate classification (germline): Pathogenic/Likely pathogenic. Review status: criteria provided, multiple submitters, no conflicts (2 of 4 stars). 10 submissions from 10 submitters: Pathogenic (7); Likely pathogenic (2). 1 of the submissions does not count toward it. Last evaluated 2025-08-13.

Conditions:
Breast and/or ovarian cancer. Identifiers: MedGen CN221562.
Ataxia-telangiectasia syndrome (AT). Also called: Ataxia-telangiectasia, complementation group D; Ataxia-telangiectasia, complementation group E; LOUIS-BAR SYNDROME; AT, COMPLEMENTATION GROUP C; ATAXIA-TELANGIECTASIA, COMPLEMENTATION GROUP A; ATAXIA-TELANGIECTASIA, FRESNO VARIANT. Identifiers: Orphanet 100, MedGen C0004135, MONDO:0008840, OMIM 208900.
Hereditary cancer-predisposing syndrome. Also called: Neoplastic Syndromes, Hereditary; Hereditary neoplastic syndrome; Hereditary Cancer Syndrome; Tumor predisposition. Identifiers: Orphanet 140162, MedGen C0027672, MeSH D009386, MONDO:0015356.
Familial cancer of breast. Also called: hereditary breast carcinoma; Hereditary breast cancer; BREAST CANCER, FAMILIAL. Identifiers: Orphanet 227535, MedGen C0346153, MONDO:0016419, OMIM 114480. Disease mechanism: loss of function.

Submissions (10):

Labcorp Genetics (formerly Invitae), Labcorp
Classification: Pathogenic for Ataxia-telangiectasia syndrome. Last evaluated: 2025-08-13. Review status: criteria provided, single submitter. Criteria: Invitae Variant Classification Sherloc (09022015). Collection method: clinical testing. Allele origin: germline.
Comment: This sequence change creates a premature translational stop signal (p.Glu2014*) in the ATM gene. It is expected to result in an absent or disrupted protein product. Loss-of-function variants in ATM are known to be pathogenic (PMID: 23807571, 25614872). This variant is not present in population databases (gnomAD no frequency). This premature translational stop signal has been observed in individual(s) with ataxia telangiectasia (PMID: 9887333). ClinVar contains an entry for this variant (Variation ID: 371405). Algorithms developed to predict the effect of sequence changes on RNA splicing suggest that this variant may disrupt the consensus splice site. For these reasons, this variant has been classified as Pathogenic.

GeneKor MSA
Classification: Pathogenic for Hereditary cancer-predisposing syndrome. Last evaluated: 2025-06-25. Review status: criteria provided, single submitter. Criteria: ACMG Guidelines, 2015. Collection method: clinical testing. Allele origin: germline.
Comment: This mutation is a single amino acid change from Glutamic acid to a termonation codon at amino acid residue 2014 of the ATM protein. It is expected to result in an absent or disrupted protein product. Loss-of-function variants in ATM are known to be pathogenic (PMID:23807571, 25614872). The mutation database Clinvar contains entries for this variant (VCV000371405.24) and it is not present in population databases (rs375783941). Additionally, this variant has been reported in the homozygous state in an individual affected with ataxia telangiectasia (PMID:9887333). For these reasons this variant has been classified as pathogenic.

Myriad Genetics, Inc.
Classification: Pathogenic for Familial cancer of breast. Last evaluated: 2024-01-26. Review status: criteria provided, single submitter. Criteria: Myriad Autosomal Dominant, Autosomal Recessive and X-Linked Classification Criteria (2023). Collection method: clinical testing. Allele origin: unknown.
Comment: This variant is considered pathogenic. This variant creates a termination codon and is predicted to result in premature protein truncation.

Ambry Genetics
Classification: Pathogenic for Hereditary cancer-predisposing syndrome. Last evaluated: 2022-09-19. Review status: criteria provided, single submitter. Criteria: Ambry Variant Classification Scheme 2023. Collection method: clinical testing. Allele origin: germline.
Comment: The p.E2014* variant (also known as c.6040G>T), located in coding exon 40 of the ATM gene, results from a G to T substitution at nucleotide position 6040. This changes the amino acid from a glutamic acid to a stop codon within coding exon 40. This alteration is expected to result in loss of function by premature protein truncation or nonsense-mediated mRNA decay. As such, this alteration is interpreted as a disease-causing mutation.

Genetics and Molecular Pathology, SA Pathology
Classification: Likely pathogenic for Familial cancer of breast. Last evaluated: 2022-03-07. Review status: criteria provided, single submitter. Criteria: ACMG Guidelines, 2015. Collection method: clinical testing. Allele origin: germline. Affected: no.

CHEO Genetics Diagnostic Laboratory, Children's Hospital of Eastern Ontario
Classification: Likely pathogenic for Breast and/or ovarian cancer. Last evaluated: 2022-02-22. Review status: criteria provided, single submitter. Criteria: ACMG Guidelines, 2015. Collection method: clinical testing. Allele origin: germline.

MGZ Medical Genetics Center
Classification: Pathogenic for Familial cancer of breast. Last evaluated: 2022-02-10. Review status: criteria provided, single submitter. Criteria: ACMG Guidelines, 2015. Collection method: clinical testing. Allele origin: germline. Affected: yes. Observed: 1 variant allele.
Comment: ACMG criteria applied: PVS1, PS4_SUP, PM2_SUP, PM3_SUP

Color Diagnostics, LLC DBA Color Health
Classification: Pathogenic for Hereditary cancer-predisposing syndrome. Last evaluated: 2021-04-27. Review status: criteria provided, single submitter. Criteria: ACMG Guidelines, 2015. Collection method: clinical testing. Allele origin: germline.
Comment: This variant changes 1 nucleotide in exon 41 of the ATM gene, creating a premature translation stop signal. This variant is expected to result in an absent or non-functional protein product. This variant has been reported in the homozygous state in an individual affected with ataxia telangiectasia (PMID: 9887333). This variant has not been identified in the general population by the Genome Aggregation Database (gnomAD). Loss of ATM function is a known mechanism of disease. Based on the available evidence, this variant is classified as Pathogenic.

GeneDx
Classification: Pathogenic. Last evaluated: 2018-03-07. Review status: criteria provided, single submitter. Criteria: GeneDx Variant Classification (06012015). Collection method: clinical testing. Allele origin: germline. Affected: yes.
Comment: This variant is denoted ATM c.6040G>T at the cDNA level and p.Glu2014Ter (E2014X) at the protein level. The substitution creates a nonsense variant, which changes a Glutamic Acid to a premature stop codon (GAG>TAG), and is predicted to cause loss of normal protein function through either protein truncation or nonsense-mediated mRNA decay. This variant has been reported as homozygous in a patient with Ataxia Telangiectasia (Sandoval 1999), and is considered pathogenic.

Counsyl
Classification: Likely pathogenic for Ataxia-telangiectasia syndrome. Last evaluated: 2016-09-14. Review status: no assertion criteria provided. Collection method: clinical testing. Allele origin: unknown. Not counted in ClinVar's aggregate classification.

Literature cited by the submitters: PubMed 23807571 (cited by Labcorp Genetics (formerly Invitae), Labcorp and GeneKor MSA); PubMed 25614872 (cited by Labcorp Genetics (formerly Invitae), Labcorp and GeneKor MSA); PubMed 9887333 (cited by 3 submitters).